The following is an entry in ClinVar:

ClinVar aggregate classification (germline): Uncertain significance (1 of 4 stars; one submission).

Conditions:
TTN-related disorder. Also called: TTN-related disorders; TTN-related condition; TTN-related disease.

gnomAD v4.1: 1 of 1,602,852 alleles (0.000062%); highest among the groups gnomAD compares: Non-Finnish European, 0.000085%; no homozygotes.

Submission:

PreventionGenetics, part of Exact Sciences
Classification: Uncertain significance for TTN-related condition. Last evaluated: 2026-04-09. Review status: criteria provided, single submitter. Criteria: ACMG Guidelines, 2015. Collection method: clinical testing. Allele origin: germline.
Comment: The TTN c.35254C>T variant is predicted to result in the amino acid substitution p.Pro11752Ser. To our knowledge, this variant has not been reported in the literature or in a large population database (gnomAD), indicating this variant is rare. At this time, the clinical significance of this variant is uncertain due to the absence of conclusive functional and genetic evidence.

NM_001267550.2(TTN):c.35254C>T (p.Pro11752Ser)

Gene: TTN (titin; minus strand). Cytogenetic location: 2q31.2.
Variant type: single nucleotide variant.
Coding change: c.35254C>T on transcript NM_001267550.2 (MANE Select); coding-DNA position 35254, C replaced by T.
Protein change: p.Pro11752Ser; replaces proline 11752 with serine.
Molecular consequence: missense variant. On other transcripts: intron variant (3).
Genome position (GRCh38, 1-based): chr2:178,671,144, G>A on the plus strand (C>T on the coding strand, the complement: TTN is on the minus strand). VCF-style: chr2-178671144-G-A. GRCh37 (hg19) VCF-style: chr2-179535871-G-A.
Other names: c.34132C>T, p.Pro11378Ser (NM_001256850.1); c.31351C>T, p.Pro10451Ser (NM_133378.4); c.13283-28827C>T (NM_003319.4); c.13859-28827C>T (NM_133437.4); c.13658-28827C>T (NM_133432.3); short protein forms P11378S, P10451S, P11752S.
Identifiers: ClinVar variation 4992112 (VCV004992112.1).
Genomic context (GRCh38, chr2:178,671,144, plus strand): 5'-AGATACCTTTAGCTGGTGGCTCTTTTCGAGGAACAACTTTAGTGGGCGGTTTTTTTGGAG[G>A]GATGATTTTCTCAGATATCTCAGGCCCTTCAAAGATATTAGTATTTTGGTTTAGAATGAA-3'
Protein context (NP_001254479.2, residues 11742-11762): KGPEISEKII[Pro11752Ser]PKKPPTKVVP